The following is an entry in ClinVar:

NM_015459.5(ATL3):c.11C>T (p.Pro4Leu)

Gene: ATL3 (atlastin GTPase 3; minus strand). Cytogenetic location: 11q13.1.
Variant type: single nucleotide variant.
Coding change: c.11C>T on transcript NM_015459.5 (MANE Select); coding-DNA position 11, C replaced by T.
Protein change: p.Pro4Leu; replaces proline 4 with leucine.
Molecular consequence: missense variant. On other transcripts: intron variant (1).
Genome position (GRCh38, 1-based): chr11:63,671,325, G>A on the plus strand (C>T on the coding strand, the complement: ATL3 is on the minus strand). VCF-style: chr11-63671325-G-A. GRCh37 (hg19) VCF-style: chr11-63438797-G-A.
Other names: c.-9+311C>T (NM_001290048.2); short protein forms P4L.
Identifiers: ClinVar variation 2135590 (VCV002135590.4), dbSNP rs1339178477, ClinGen allele CA381032858.
Genomic context (GRCh38, chr11:63,671,325, plus strand): 5'-GATCCAGGGAAAATCGGCGCCTCACCTGCTCCTCTTGAGGCAGCTGCTGCCACTCGCTGA[G>A]GGGACAACATGGAGCCTCCGCCTTCAAAGCAGAAGCAGCAGGGGTGCAGAGGAGAGGGAC-3'
Protein context (NP_056274.3, residues 1-14): MLS[Pro4Leu]QRVAAAASRG

ClinVar aggregate classification (germline): Uncertain significance (1 of 4 stars; one submission).

Conditions:
Neuropathy, hereditary sensory, type 1F. Also called: HSN IF; Hereditary sensory neuropathy type IF. Identifiers: Orphanet 36386, MedGen C3810194, MONDO:0014286, OMIM 615632.

Allele frequency attached by ClinVar (database versions not stated): gnomAD exomes below 0.00001.
gnomAD v4.1: 2 of 1,587,584 alleles (0.00013%); highest among the groups gnomAD compares: Middle Eastern, 0.017%; no homozygotes.

Submission:

Labcorp Genetics (formerly Invitae), Labcorp
Classification: Uncertain significance for Neuropathy, hereditary sensory, type 1F. Last evaluated: 2021-11-24. Review status: criteria provided, single submitter. Criteria: Invitae Variant Classification Sherloc (09022015). Collection method: clinical testing. Allele origin: germline.
Comment: This sequence change replaces proline, which is neutral and non-polar, with leucine, which is neutral and non-polar, at codon 4 of the ATL3 protein (p.Pro4Leu). This variant is not present in population databases (gnomAD no frequency). This variant has not been reported in the literature in individuals affected with ATL3-related conditions. Algorithms developed to predict the effect of missense changes on protein structure and function (SIFT, PolyPhen-2, Align-GVGD) all suggest that this variant is likely to be tolerated. In summary, the available evidence is currently insufficient to determine the role of this variant in disease. Therefore, it has been classified as a Variant of Uncertain Significance.